The following is an entry in ClinVar:

NC_012920.1(MT-CO1):m.6174G>A

Gene: MT-CO1 (mitochondrially encoded cytochrome c oxidase I; plus strand).
Variant type: single nucleotide variant.
Genome position: chrM-6174-G-A.
Identifiers: ClinVar variation 692626 (VCV000692626.1), dbSNP rs1603220303, ClinGen allele CA414782201.

ClinVar aggregate classification (germline): Uncertain significance (1 of 4 stars; one submission).

Conditions:
Leigh syndrome (NULS). Also called: Leigh's necrotizing encephalopathy; Leigh's disease; Leigh Syndrome (mtDNA deletion); Leigh Disease; Subacute necrotizing encephalopathy; Necrotizing encephalopathy infantile subacute of Leigh. Identifiers: Orphanet 506, MedGen C2931891, MONDO:0009723, OMIM 256000.

Submission:

Wong Mito Lab, Molecular and Human Genetics, Baylor College of Medicine
Classification: Uncertain significance for Leigh syndrome. Last evaluated: 2019-10-17. Review status: criteria provided, single submitter. Criteria: Modified ACMG Guidelines (Unpublished). Collection method: clinical testing. Allele origin: germline.
Comment: The NC_012920.1:m.6174G>A (YP_003024028.1:p.Asp91Asn) variant in MTCO1 gene is interpretated to be a Uncertain Significance variant based on the modified ACMG guidelines (unpublished). This variant meets the following evidence codes: PP3, PP7